The following is an entry in ClinVar:

ClinVar aggregate classification (germline): Uncertain significance. Review status: criteria provided, multiple submitters, no conflicts (2 of 4 stars). 5 submissions from 5 submitters: Uncertain significance (5). Last evaluated 2026-09-09.

Conditions:
ADGRV1-related disorder. Also called: ADGRV1-related condition; ADGRV1-related disorders.
Inborn genetic diseases. Identifiers: MedGen C0950123, MeSH D030342.

Allele frequency attached by ClinVar (database versions not stated): TOPMed 0.00009; ExAC 0.00010; gnomAD exomes 0.00006; gnomAD 0.00009.
gnomAD v4.1: 77 of 1,613,378 alleles (0.0048%); highest among the groups gnomAD compares: East Asian, 0.042%; no homozygotes.

Submissions (5):

PreventionGenetics, part of Exact Sciences
Classification: Uncertain significance for ADGRV1-related condition. Last evaluated: 2026-09-09. Review status: criteria provided, single submitter. Criteria: ACMG Guidelines, 2015. Collection method: clinical testing. Allele origin: germline.
Comment: The ADGRV1 c.10547T>C variant is predicted to result in the amino acid substitution p.Ile3516Thr. This variant was reported along with a second ADGRV1 variant interpreted as likely benign in an individual with epilepsy (Leng et al. 2022. PubMed ID: 36399868). This variant is reported in 0.026% of alleles in individuals of East Asian descent in gnomAD. At this time, the clinical significance of this variant is uncertain due to the absence of conclusive functional and genetic evidence.

Ambry Genetics
Classification: Uncertain significance for Inborn genetic diseases. Last evaluated: 2025-09-10. Review status: criteria provided, single submitter. Criteria: Ambry Variant Classification Scheme 2023. Collection method: clinical testing. Allele origin: germline.

GeneDx
Classification: Uncertain significance. Last evaluated: 2025-05-06. Review status: criteria provided, single submitter. Criteria: GeneDx Variant Classification Process June 2021. Collection method: clinical testing. Allele origin: germline. Affected: yes.
Comment: Identified in a patient with epilepsy who also harbored a second variant of uncertain significance in the ADGRV1 gene in published literature (PMID: 36399868); Not observed at significant frequency in large population cohorts (gnomAD); In silico analysis suggests that this missense variant does not alter protein structure/function; This variant is associated with the following publications: (PMID: 36399868)

Labcorp Genetics (formerly Invitae), Labcorp
Classification: Uncertain significance. Last evaluated: 2024-11-11. Review status: criteria provided, single submitter. Criteria: Invitae Variant Classification Sherloc (09022015). Collection method: clinical testing. Allele origin: germline.
Comment: This sequence change replaces isoleucine, which is neutral and non-polar, with threonine, which is neutral and polar, at codon 3516 of the ADGRV1 protein (p.Ile3516Thr). This variant is present in population databases (rs756294827, gnomAD 0.03%). This missense change has been observed in individual(s) with seizures (PMID: 36399868). ClinVar contains an entry for this variant (Variation ID: 1020568). An algorithm developed to predict the effect of missense changes on protein structure and function (PolyPhen-2) suggests that this variant is likely to be disruptive. In summary, the available evidence is currently insufficient to determine the role of this variant in disease. Therefore, it has been classified as a Variant of Uncertain Significance.

Blueprint Genetics
Classification: Uncertain significance. Last evaluated: 2021-09-24. Review status: criteria provided, single submitter. Criteria: ACMG Guidelines, 2015. Collection method: clinical testing. Allele origin: germline.

Literature cited by the submitters: PubMed 36399868 (cited by Labcorp Genetics (formerly Invitae), Labcorp).

NM_032119.4(ADGRV1):c.10547T>C (p.Ile3516Thr)

Gene: ADGRV1 (adhesion G protein-coupled receptor V1; plus strand). Cytogenetic location: 5q14.3.
Variant type: single nucleotide variant.
Coding change: c.10547T>C on transcript NM_032119.4 (MANE Select); coding-DNA position 10547, T replaced by C.
Protein change: p.Ile3516Thr; replaces isoleucine 3516 with threonine.
Molecular consequence: missense variant. On other transcripts: non-coding transcript variant (1).
Genome position (GRCh38, 1-based): chr5:90,729,762, T>C. VCF-style: chr5-90729762-T-C. GRCh37 (hg19) VCF-style: chr5-90025579-T-C.
Other names: c.10547T>C (NM_032119.3); short protein forms I3516T.
Identifiers: ClinVar variation 1020568 (VCV001020568.10), dbSNP rs756294827, ClinGen allele CA3340771.